The following is an entry in ClinVar:

NM_001395413.1(POR):c.1966G>A (p.Ala656Thr)

Gene: POR (cytochrome p450 oxidoreductase; plus strand). Cytogenetic location: 7q11.23.
Variant type: single nucleotide variant.
Coding change: c.1966G>A on transcript NM_001395413.1 (MANE Select); coding-DNA position 1966, G replaced by A.
Protein change: p.Ala656Thr; replaces alanine 656 with threonine.
Molecular consequence: missense variant.
Genome position (GRCh38, 1-based): chr7:75,986,413, G>A. VCF-style: chr7-75986413-G-A. GRCh37 (hg19) VCF-style: chr7-75615731-G-A.
Other names: c.1966G>A, p.Ala656Thr (NM_001367562.3, NM_001382657.2, NM_001382658.3 and 1 more transcripts); c.2020G>A, p.Ala674Thr (NM_001382655.3); c.1816G>A, p.Ala606Thr (NM_001382662.3); short protein forms A606T, A656T, A674T.
Identifiers: ClinVar variation 381218 (VCV000381218.4), dbSNP rs373737641, ClinGen allele CA4304388.
Genomic context (GRCh38, chr7:75,986,413, plus strand): 5'-GCCAGGGATGTGCAGAACACCTTCTACGACATCGTGGCTGAGCTCGGGGCCATGGAGCAC[G>A]CGCAGGCGGTGGACTACATCAAGAAACTGATGACCAAGGGCCGCTACTCCCTGGACGTGT-3'
Protein context (NP_001382342.1, residues 646-666): IVAELGAMEH[Ala656Thr]QAVDYIKKLM

ClinVar aggregate classification (germline): Conflicting classifications of pathogenicity. Review status: criteria provided, conflicting classifications (1 of 4 stars). 2 submissions from 2 submitters: Uncertain significance (1); Likely benign (1). Last evaluated 2022-07-13.

Conditions:
Congenital adrenal hyperplasia due to cytochrome P450 oxidoreductase deficiency. Also called: DISORDERED STEROIDOGENESIS DUE TO POR DEFICIENCY. Identifiers: Orphanet 95699, MedGen C1860042, MONDO:0013310, OMIM 613571.

Allele frequency attached by ClinVar (database versions not stated): gnomAD exomes 0.00001 and 0.00002; ExAC 0.00003; gnomAD 0.00007; TOPMed 0.00008; ESP Exome Variant Server 0.00023.
gnomAD v4.1: 31 of 1,612,404 alleles (0.0019%); highest among the groups gnomAD compares: African/African-American, 0.015%; no homozygotes.

Submissions (2):

Labcorp Genetics (formerly Invitae), Labcorp
Classification: Uncertain significance for Congenital adrenal hyperplasia due to cytochrome P450 oxidoreductase deficiency. Last evaluated: 2022-07-13. Review status: criteria provided, single submitter. Criteria: Invitae Variant Classification Sherloc (09022015). Collection method: clinical testing. Allele origin: germline.
Comment: This sequence change replaces alanine, which is neutral and non-polar, with threonine, which is neutral and polar, at codon 659 of the POR protein (p.Ala659Thr). This variant is present in population databases (rs373737641, gnomAD 0.01%). This variant has not been reported in the literature in individuals affected with POR-related conditions. ClinVar contains an entry for this variant (Variation ID: 381218). Algorithms developed to predict the effect of missense changes on protein structure and function output the following: SIFT: "Tolerated"; PolyPhen-2: "Benign"; Align-GVGD: "Class C0". The threonine amino acid residue is found in multiple mammalian species, which suggests that this missense change does not adversely affect protein function. In summary, the available evidence is currently insufficient to determine the role of this variant in disease. Therefore, it has been classified as a Variant of Uncertain Significance.

GeneDx
Classification: Likely benign. Last evaluated: 2015-10-15. Review status: criteria provided, single submitter. Criteria: GeneDx Variant Classification (06012015). Collection method: clinical testing. Allele origin: germline. Affected: yes.
Comment: This variant is considered likely benign or benign based on one or more of the following criteria: it is a conservative change, it occurs at a poorly conserved position in the protein, it is predicted to be benign by multiple in silico algorithms, and/or has population frequency not consistent with disease.